The following continues an entry in ClinVar:

NM_000441.2(SLC26A4):c.1246A>C (p.Thr416Pro)

Gene: SLC26A4. ClinVar aggregate classification (germline): Pathogenic. Pathogenic (20).

Submissions 15 to 25 of 25:

Myriad Genetics, Inc.
Classification: Pathogenic for Pendred syndrome. Last evaluated: 2019-11-18. Review status: criteria provided, single submitter. Criteria: Myriad Women's Health Autosomal Recessive and X-Linked Classification Criteria (2019). Collection method: clinical testing. Allele origin: unknown.
Comment: NM_000441.1(SLC26A4):c.1246A>C(T416P) is classified as pathogenic in the context of Pendred syndrome. Sources cited for classification include the following: PMID 23336812, 9618166, 9618167, 12354788 and 18310264. Classification of NM_000441.1(SLC26A4):c.1246A>C(T416P) is based on the following criteria: This is a well-established pathogenic variant in the literature that has been observed more frequently in patients with clinical diagnoses than in healthy populations. Please note: this variant was assessed in the context of healthy population screening.

Fulgent Genetics
Classification: Pathogenic for Pendred syndrome; Autosomal recessive nonsyndromic hearing loss 4. Last evaluated: 2018-10-31. Review status: criteria provided, single submitter. Criteria: ACMG Guidelines, 2015. Collection method: clinical testing. Allele origin: unknown.

Victorian Clinical Genetics Services, Murdoch Childrens Research Institute
Classification: Pathogenic for Autosomal recessive nonsyndromic hearing loss 4. Last evaluated: 2018-07-03. Review status: criteria provided, single submitter. Criteria: ACMG Guidelines, 2015. Collection method: clinical testing. Allele origin: unknown. Affected: yes.
Comment: A heterozygous missense variant, NM_000441.1(SLC26A4):c.1246A>C, has been identified in exon 10 of 21 of the SLC26A4 gene. The variant is predicted to result in a minor amino acid change from threonine to proline at position 416 of the protein (NP_000432.1(SLC26A4):p.(Thr416Pro)). The threonine residue at this position has high conservation (100 vertebrates, UCSC), and is located within the sulfate transporter domain. In silico predictions for this variant are consistently pathogenic (Polyphen, SIFT, CADD, Mutation Taster). The variant is present in the gnomAD database at a frequency of 0.02% (55 heterozygotes in 276514, 0 homozygotes). The variant has been previously described as pathogenic (ClinVar, HGMD, Deafness variation database) and has been shown to segregate in multiple families with Pendred syndrome (Clinvar, Van Heuwe, P. et al. (1998)). It is one of the most commonly reported SLC26A4 variants associated with hearing loss in Europeans. Additionally, functional analysis has shown that the altered pendrin fails to localise to the cell membrane and is retained in the intracellular region (Yoon, JS. et al. (2008)). Based on the information available at the time of curation, this variant has been classified as PATHOGENIC.

Laboratory for Molecular Medicine, Mass General Brigham Personalized Medicine
Classification: Pathogenic for Rare genetic deafness. Last evaluated: 2017-11-22. Review status: criteria provided, single submitter. Criteria: LMM Criteria. Collection method: clinical testing. Allele origin: germline. Inheritance: Autosomal recessive inheritance. Observed: 15 variant alleles.
Comment: The p.Thr416Pro variant in SLC26A4 has been reported in at least 10 individuals with Pendred syndrome or nonsyndromic hearing loss with enlarged vestibular aque ducts (EVA), all of whom were compound heterozygous, and segregated with disease in 3 affected relatives from 2 families (Campbell 2001, Ladsous 2014, LMM data) . It has been identified in 0.04% (48/126104) of European chromosomes by the Gen ome Aggregation Database (gnomAD; dbSNP rs289 39086). Although this variant has been seen in the general population, its frequ ency is low enough to be consistent with a carrier frequency for recessive heari ng loss. Computational prediction tools and conservation analysis suggest that t he p.Thr416Pro variant may impact the protein. In summary, this variant meets cr iteria to be classified as pathogenic for Pendred syndrome or nonsyndromic heari ng loss in an autosomal recessive manner based on multiple biallelic occurrences in individuals with hearing loss and segregation in affected relatives. ACMG/AM P Criteria applied: PM3_VeryStrong; PP1_Moderate; PP3; PP4.

Illumina Laboratory Services, Illumina
Classification: Pathogenic for SLC26A4-Related Disorders. Last evaluated: 2017-04-27. Review status: criteria provided, single submitter. Criteria: ICSL Variant Classification Criteria 09 May 2019. Collection method: clinical testing. Allele origin: germline.
Comment: The SLC26A4 c.1246A>C (p.Thr416Pro) missense variant is a well-documented pathogenic variant accounting for at least 15% of disease alleles in individuals with a confirmed diagnosis of Pendred syndrome who are of northern European descent (Alasti et al. 2014). Across a selection of the available literature, the p.Thr416Pro variant has been identified in a homozygous state in four patients, in a compound heterozygous state in 45 patients and in a heterozygous state in five patients (Coyle et al. 1998; van Hauwe et al. 1998; Campbell et al, 2001; Napiontek et al. 2004; Rendtorff et al. 2013; Ladsous et al. 2014; Pique et al. 2014). The variant was absent from 346 control chromosomes but is reported at a frequency of 0.00035 in the European (non-Finnish) population of the Exome Aggregation Consortium. Functional studies demonstrated that the p.Thr416Pro variant protein is retained in the endoplasmic reticulum and does not reach the plasma membrane as wild type, and the variant protein showed almost complete loss of iodide transport capacity (Rotman-Pikielny et al. 2002; Yoon et al. 2008). Based on the evidence the p.Thr416Pro variant is classified as pathogenic for SLC26A4-related disorders. This variant was observed by ICSL as part of a predisposition screen in an ostensibly healthy population.

Laboratory of Human Genetics, Institute of Biosciences - University of Sao Paulo
Classification: Pathogenic for Autosomal recessive nonsyndromic hearing loss 4. Review status: criteria provided, single submitter. Criteria: ClinGen HL ACMG Specifications v1. Collection method: research. Allele origin: germline. Inheritance: Autosomal recessive inheritance. Affected: yes. Observed: 1 heterozygote.
Comment: The NM_000441.2 (SLC26A4):c.1246A>C (p.Thr416Pro) variant is classified as pathogenic for Pendred Syndrome, following the ACMG criteria - PM3_VeryStrong: For recessive disorders, detected in trans with a pathogenic variant, or in a homozygous or compound heterozygous state in affected cases: It has a ClinVar IDs: 4818 with a great number of different cases where homozygous or compound heterozygous affected probands are reported. - PS3_supp: Well-established functional studies show damaging effect on the gene or gene product. No iodide transport activity was observed with the pendrin products encoded by p.Thr416Pro (PMID: 10861298), since they are retained in the endoplasmic reticulum (ER) (PMID: 12354788) PM2_supp: GnomAD aggregated 0.0218% and AbraOM N/A. PP3_mod: For a missense or a splicing region variant, computational prediction tools unanimously support a deleterious effect on the gene; Revel score: 0.96 (Deleterious Strong).

National Institute of Sensory Organs, National Hospital Organization Tokyo Medical Center
Classification: Affects for Autosomal recessive nonsyndromic hearing loss 4. Last evaluated: 2019-08-20. Review status: no assertion criteria provided. Collection method: literature only, in vitro. Allele origin: germline. Inheritance: Autosomal recessive inheritance. Affected: yes. Functional consequence: loss_of_function_variant. Not counted in ClinVar's aggregate classification.
Comment: in vitro experiment

OMIM
Classification: Pathogenic for PENDRED SYNDROME. Last evaluated: 2008-07-01. Review status: no assertion criteria provided. Collection method: literature only. Allele origin: germline. Not counted in ClinVar's aggregate classification.

Clinical Genetics, Academic Medical Center
Classification: Pathogenic. Review status: no assertion criteria provided. Collection method: clinical testing. Allele origin: germline. Affected: yes. Study: VKGL Data-share Consensus. Not counted in ClinVar's aggregate classification.

GeneReviews
No classification provided. Condition: Pendred syndrome. Review status: no classification provided. Collection method: literature only. Allele origin: germline. Not counted in ClinVar's aggregate classification.

Joint Genome Diagnostic Labs from Nijmegen and Maastricht, Radboudumc and MUMC+
Classification: Pathogenic. Review status: no assertion criteria provided. Collection method: clinical testing. Allele origin: germline. Affected: yes. Study: VKGL Data-share Consensus. Not counted in ClinVar's aggregate classification.

Literature cited by the submitters: PubMed 23336812 (cited by 3 submitters); PubMed 9618166 (cited by 6 submitters); PubMed 14679580 (cited by Labcorp Genetics (formerly Invitae), Labcorp); PubMed 24224479 (cited by 4 submitters); PubMed 10861298 (cited by 3 submitters); PubMed 12354788 (cited by 5 submitters); PubMed 18310264 (cited by 6 submitters); PubMed 31633822 (cited by Women's Health and Genetics/Laboratory Corporation of America, LabCorp); PubMed 15531480 (cited by 4 submitters); PubMed 9618167 (cited by 4 submitters); PubMed 11317356 (cited by Laboratory for Molecular Medicine, Mass General Brigham Personalized Medicine and Illumina Laboratory Services, Illumina); PubMed 18283249 (cited by Laboratory for Molecular Medicine, Mass General Brigham Personalized Medicine); PubMed 24860705 (cited by Illumina Laboratory Services, Illumina); PubMed 20301640 (cited by Illumina Laboratory Services, Illumina); PubMed 29739340 (cited by Laboratory of Human Genetics, Institute of Biosciences - University of Sao Paulo and National Institute of Sensory Organs, National Hospital Organization Tokyo Medical Center); PubMed 22975760 (cited by National Institute of Sensory Organs, National Hospital Organization Tokyo Medical Center); PubMed 26969326 (cited by National Institute of Sensory Organs, National Hospital Organization Tokyo Medical Center); PubMed 27771369 (cited by National Institute of Sensory Organs, National Hospital Organization Tokyo Medical Center); PubMed 28000701 (cited by National Institute of Sensory Organs, National Hospital Organization Tokyo Medical Center); PubMed 30240412 (cited by National Institute of Sensory Organs, National Hospital Organization Tokyo Medical Center); PubMed 30484383 (cited by National Institute of Sensory Organs, National Hospital Organization Tokyo Medical Center); PubMed 31599023 (cited by National Institute of Sensory Organs, National Hospital Organization Tokyo Medical Center); NCBI Bookshelf NBK1467 (cited by GeneReviews).